The following is an entry in ClinVar:

NM_020964.3(EPG5):c.5389dup (p.Thr1797fs)

Gene: EPG5 (ectopic P-granules 5 autophagy tethering factor; minus strand). Cytogenetic location: 18q12.3.
Variant type: Duplication.
Coding change: c.5389dup on transcript NM_020964.3 (MANE Select); coding-DNA position 5389, one base duplicated (A; older notation c.5389dupA).
Protein change: p.Thr1797fs; shifts the reading frame from threonine 1797.
Molecular consequence: frameshift variant.
Genome position (GRCh38, 1-based): chr18:45,882,403, T duplicated on the plus strand (A on the coding strand, the reverse complement: EPG5 is on the minus strand). VCF-style (leftmost placement, unchanged base first): chr18-45882402-G-GT. GRCh37 (hg19) VCF-style: chr18-43462367-G-GT.
Other names: c.5389dup, p.Thr1797fs (NM_001410858.1, NM_001410859.1); short protein forms T1797fs.
Identifiers: ClinVar variation 2704818 (VCV002704818.3), dbSNP rs2511592639, ClinGen allele CA2697555415.

ClinVar aggregate classification (germline): Pathogenic (1 of 4 stars; one submission).

Conditions:
Vici syndrome (VICIS). Identifiers: Orphanet 1493, MedGen C1855772, MONDO:0009452, OMIM 242840.

Submission:

Labcorp Genetics (formerly Invitae), Labcorp
Classification: Pathogenic for Vici syndrome. Last evaluated: 2023-12-22. Review status: criteria provided, single submitter. Criteria: Invitae Variant Classification Sherloc (09022015). Collection method: clinical testing. Allele origin: germline.
Comment: This sequence change creates a premature translational stop signal (p.Thr1797Asnfs*6) in the EPG5 gene. It is expected to result in an absent or disrupted protein product. Loss-of-function variants in EPG5 are known to be pathogenic (PMID: 23222957, 23674064). This variant is not present in population databases (gnomAD no frequency). This variant has not been reported in the literature in individuals affected with EPG5-related conditions. For these reasons, this variant has been classified as Pathogenic.

Literature cited by the submitters: PubMed 23222957; PubMed 23674064.